The following is an entry in ClinVar:

NM_001130009.3(GEN1):c.1684T>A (p.Ser562Thr)

Gene: GEN1 (GEN1 structure-specific endonuclease; plus strand). Cytogenetic location: 2p24.2.
Variant type: single nucleotide variant.
Coding change: c.1684T>A on transcript NM_001130009.3 (MANE Select); coding-DNA position 1684, T replaced by A.
Protein change: p.Ser562Thr; replaces serine 562 with threonine.
Molecular consequence: missense variant.
Genome position (GRCh38, 1-based): chr2:17,780,896, T>A. VCF-style: chr2-17780896-T-A. GRCh37 (hg19) VCF-style: chr2-17962163-T-A.
Other names: c.1684T>A, p.Ser562Thr (NM_182625.5); short protein forms S562T.
Identifiers: ClinVar variation 2172865 (VCV002172865.4), dbSNP rs773927877, ClinGen allele CA345926402.

ClinVar aggregate classification (germline): Uncertain significance (1 of 4 stars; one submission).

Allele frequency attached by ClinVar (database versions not stated): TOPMed 0.00001.

Submission:

Labcorp Genetics (formerly Invitae), Labcorp
Classification: Uncertain significance. Last evaluated: 2023-02-05. Review status: criteria provided, single submitter. Criteria: Invitae Variant Classification Sherloc (09022015). Collection method: clinical testing. Allele origin: germline.
Comment: This variant is not present in population databases (gnomAD no frequency). This sequence change replaces serine, which is neutral and polar, with threonine, which is neutral and polar, at codon 562 of the GEN1 protein (p.Ser562Thr). This variant has not been reported in the literature in individuals affected with GEN1-related conditions. Algorithms developed to predict the effect of missense changes on protein structure and function (SIFT, PolyPhen-2, Align-GVGD) all suggest that this variant is likely to be tolerated. In summary, the available evidence is currently insufficient to determine the role of this variant in disease. Therefore, it has been classified as a Variant of Uncertain Significance.